The following is an entry in ClinVar:

ClinVar aggregate classification (germline): Likely pathogenic (1 of 4 stars; one submission).

Conditions:
Familial cancer of breast. Also called: BREAST CANCER, FAMILIAL; Hereditary breast cancer; hereditary breast carcinoma. Identifiers: Orphanet 227535, MedGen C0346153, MONDO:0016419, OMIM 114480. Disease mechanism: loss of function.

Submission:

Labcorp Genetics (formerly Invitae), Labcorp
Classification: Likely pathogenic for Familial cancer of breast. Last evaluated: 2022-09-02. Review status: criteria provided, single submitter. Criteria: Invitae Variant Classification Sherloc (09022015). Collection method: clinical testing. Allele origin: germline.
Comment: This variant is a gross deletion of the genomic region encompassing exon(s) 10-14 of the CHEK2 gene. This variant would be expected to be in-frame, preserving the integrity of the reading frame. This variant has not been reported in the literature in individuals affected with CHEK2-related conditions. This variant disrupts the serine/threonine kinase domain of the CHEK2 protein, which is essential for protein function (PMID: 30264118, 31843900, 29785007). While functional studies have not been performed to directly test the effect of this variant on CHEK2 protein function, this suggests that disruption of this region of the protein is causative of disease. In summary, the currently available evidence indicates that the variant is pathogenic, but additional data are needed to prove that conclusively. Therefore, this variant has been classified as Likely Pathogenic.

Literature cited by the submitters: PubMed 30264118; PubMed 31843900; PubMed 29785007.

NC_000022.11:g.(?_28689125)_(28696997_?)del

Gene: CHEK2 (checkpoint kinase 2; minus strand). Cytogenetic location: 22q12.1.
Variant type: Deletion.
Identifiers: ClinVar variation 833263 (VCV000833263.8).